The following is an entry in ClinVar:

NM_005422.4(TECTA):c.2101G>A (p.Gly701Ser)

Genes: TBCEL-TECTA (TBCEL-TECTA readthrough; plus strand), TECTA (tectorin alpha; plus strand). Cytogenetic location: 11q23.3.
Variant type: single nucleotide variant.
Coding change: c.2101G>A on transcript NM_005422.4 (MANE Select); coding-DNA position 2101, G replaced by A.
Protein change: p.Gly701Ser; replaces glycine 701 with serine.
Molecular consequence: missense variant.
Genome position (GRCh38, 1-based): chr11:121,128,078, G>A. VCF-style: chr11-121128078-G-A. GRCh37 (hg19) VCF-style: chr11-120998787-G-A.
Other names: c.3058G>A, p.Gly1020Ser (NM_001378761.1); short protein forms G1020S, G701S.
Identifiers: ClinVar variation 1704202 (VCV001704202.3), dbSNP rs772043121, ClinGen allele CA6326912.
Genomic context (GRCh38, chr11:121,128,078, plus strand): 5'-GGGGACGTCTACTGCTTCAACAAGACCTGCGGCAGCGGGGAGGTGTGCGCCGTGGAGGAC[G>A]GCTACCAGGGCTGCTTCCCCAAGCGGGAGACCGTGTGCCTGCTCAGCCAGAACCAGGTGC-3'
Protein context (NP_005413.2, residues 691-711): GSGEVCAVED[Gly701Ser]YQGCFPKRET

ClinVar aggregate classification (germline): Uncertain significance. Review status: criteria provided, multiple submitters, no conflicts (2 of 4 stars). 2 submissions from 2 submitters: Uncertain significance (2). Last evaluated 2026-05-01.

Conditions:
Autosomal recessive nonsyndromic hearing loss 21. Identifiers: Orphanet 90636, MedGen C1863655, MONDO:0011351, OMIM 603629.

Allele frequency attached by ClinVar (database versions not stated): ExAC 0.00001.
gnomAD v4.1: 7 of 1,612,590 alleles (0.00043%); highest among the groups gnomAD compares: South Asian, 0.0033%; no homozygotes.

Submissions (2):

CeGaT Center for Human Genetics Tuebingen
Classification: Uncertain significance. Last evaluated: 2026-05-01. Review status: criteria provided, single submitter. Criteria: CeGaT Center For Human Genetics Tuebingen Variant Classification Criteria Version 2. Collection method: clinical testing. Allele origin: germline. Affected: yes. Observed: 1 variant allele.
Comment: TECTA: PM2

Department of Human Genetics, Hannover Medical School
Classification: Uncertain significance for Autosomal recessive nonsyndromic hearing loss 21. Last evaluated: 2022-09-07. Review status: criteria provided, single submitter. Criteria: ACMG Guidelines, 2015. Collection method: clinical testing. Allele origin: germline. Affected: yes.
Comment: The variant alters an evolutionarily highly conserved amino acid. The physicochemical difference between the original (glycine) and the newly formed amino acid (serine) is small. An in silico analysis regarding the clinical relevance of the change did not yield a clear result. The variant is scored as VUS in the Deafness Variation Database, but it is not listed in the ClinVar and LOVD databases. It is also unknown in the literature. In the population database gnomAD, the variant is listed only once heterozygous (in the population of non-Finnish Europeans, NFE) (allele frequency in the normal population: total 0.0004%, NFE 0.0009%). Currently, too few data are available for a conclusive assessment regarding clinical relevance.